The following is an entry in ClinVar:

ClinVar aggregate classification (germline): Uncertain significance (1 of 4 stars; one submission).

Submission:

Labcorp Genetics (formerly Invitae), Labcorp
Classification: Uncertain significance. Last evaluated: 2025-12-06. Review status: criteria provided, single submitter. Criteria: Invitae Variant Classification Sherloc (09022015). Collection method: clinical testing. Allele origin: germline.
Comment: This sequence change replaces methionine, which is neutral and non-polar, with leucine, which is neutral and non-polar, at codon 1013 of the CACNA1F protein (p.Met1013Leu). This variant is present in population databases (no rsID available, gnomAD 0.006%). This variant has not been reported in the literature in individuals affected with CACNA1F-related conditions. Invitae Evidence Modeling of protein sequence and biophysical properties (such as structural, functional, and spatial information, amino acid conservation, physicochemical variation, residue mobility, and thermodynamic stability) indicates that this missense variant is not expected to disrupt CACNA1F protein function with a negative predictive value of 80%. In summary, the available evidence is currently insufficient to determine the role of this variant in disease. Therefore, it has been classified as a Variant of Uncertain Significance.

NM_001256789.3(CACNA1F):c.3004A>T (p.Met1002Leu)

Gene: CACNA1F (calcium voltage-gated channel subunit alpha1 F; minus strand). Cytogenetic location: Xp11.23.
Variant type: single nucleotide variant.
Coding change: c.3004A>T on transcript NM_001256789.3 (MANE Select); coding-DNA position 3004, A replaced by T.
Protein change: p.Met1002Leu; replaces methionine 1002 with leucine.
Molecular consequence: missense variant.
Genome position (GRCh38, 1-based): chrX:49,217,930, T>A on the plus strand (A>T on the coding strand, the complement: CACNA1F is on the minus strand). VCF-style: chrX-49217930-T-A. GRCh37 (hg19) VCF-style: chrX-49074389-T-A.
Other names: c.2842A>T, p.Met948Leu (NM_001256790.3); c.3037A>T, p.Met1013Leu (NM_005183.4); short protein forms M948L, M1002L, M1013L.
Identifiers: ClinVar variation 4708000 (VCV004708000.1).
Genomic context (GRCh38, chrX:49,217,930, plus strand): 5'-CTGGCATTCCCTCCAGTGTTTGCCCCACCTTGAAGAGCTGCACCCCGATGCAGGCGAACA[T>A]AAATTGCAGAAGTGTGGTGACAATCATGATGTTTCCGATGGTCCGGATGGCCACAAATAC-3'
Protein context (NP_001243718.1, residues 992-1012): IMIVTTLLQF[Met1002Leu]FACIGVQLFK